The following is an entry in ClinVar:

ClinVar aggregate classification (germline): Benign. Review status: criteria provided, multiple submitters, no conflicts (2 of 4 stars). 3 submissions from 2 submitters: Benign (3). Last evaluated 2022-10-01.

Conditions:
Holoprosencephaly 7 (HPE7). Identifiers: Orphanet 2162, MedGen C1835820, MONDO:0012562, OMIM 610828.
Gorlin syndrome. Also called: Basal cell nevus syndrome; Nevoid Basal Cell Carcinoma Syndrome. Identifiers: Orphanet 377, MedGen C0004779, MONDO:0007187.

Allele frequency attached by ClinVar (database versions not stated): gnomAD 0.00051 and 0.00052; 1000 Genomes Project 0.00060.

Submissions (3):

CeGaT Center for Human Genetics Tuebingen
Classification: Benign. Last evaluated: 2022-10-01. Review status: criteria provided, single submitter. Criteria: CeGaT Center For Human Genetics Tuebingen Variant Classification Criteria Version 2. Collection method: clinical testing. Allele origin: germline. Affected: yes. Observed: 2 variant alleles.
Comment: PTCH1: BS1, BS2

Illumina Laboratory Services, Illumina
Classification: Benign for Basal cell nevus syndrome 1. Last evaluated: 2018-01-12. Review status: criteria provided, single submitter. Criteria: ICSL Variant Classification Criteria 13 December 2019. Collection method: clinical testing. Allele origin: germline.
Comment: This variant was observed in the ICSL laboratory as part of a predisposition screen in an ostensibly healthy population. It had not been previously curated by ICSL or reported in the Human Gene Mutation Database (HGMD: prior to June 1st, 2018), and was therefore a candidate for classification through an automated scoring system. Utilizing variant allele frequency, disease prevalence and penetrance estimates, and inheritance mode, an automated score was calculated to assess if this variant is too frequent to cause the disease. Based on the score and internal cut-off values, a variant classified as benign is not then subjected to further curation. The score for this variant resulted in a classification of benign for this disease.

Illumina Laboratory Services, Illumina
Classification: Benign for Holoprosencephaly 7. Last evaluated: 2018-01-12. Review status: criteria provided, single submitter. Criteria: ICSL Variant Classification Criteria 13 December 2019. Collection method: clinical testing. Allele origin: germline.
Comment: the same text as in the submission from Illumina Laboratory Services, Illumina above.

NM_000264.5(PTCH1):c.*2175G>A

Gene: PTCH1 (patched 1; minus strand). Cytogenetic location: 9q22.32.
Variant type: single nucleotide variant.
Coding change: c.*2175G>A on transcript NM_000264.5 (MANE Select); 2175 bases downstream of the stop codon, G replaced by A.
Molecular consequence: 3 prime UTR variant. On other transcripts: non-coding transcript variant (1).
Genome position (GRCh38, 1-based): chr9:95,444,218, C>T on the plus strand (G>A on the coding strand, the complement: PTCH1 is on the minus strand). VCF-style: chr9-95444218-C-T. GRCh37 (hg19) VCF-style: chr9-98206500-C-T.
Other names: c.*2175G>A (NM_001083602.3, NM_001083603.3, NM_001083604.3 and 4 more transcripts).
Identifiers: ClinVar variation 367629 (VCV000367629.36), dbSNP rs188061818, ClinGen allele CA10627720.